The following is an entry in ClinVar:

ClinVar aggregate classification (germline): Benign/Likely benign. Review status: criteria provided, multiple submitters, no conflicts (2 of 4 stars). 8 submissions from 8 submitters: Benign (5); Likely benign (1). 2 of the submissions do not count toward it. Last evaluated 2026-01-19.

Conditions:
Ectodermal dysplasia 4, hair/nail type (ECTD4). Identifiers: Orphanet 69084, MedGen C4024880, MONDO:0011177, OMIM 602032.

Allele frequency attached by ClinVar (database versions not stated): 1000 Genomes Project 30x 0.03076; gnomAD exomes 0.03804 and 0.04464; 1000 Genomes Project 0.03275; TOPMed 0.03601; gnomAD 0.03693 and 0.03613; ExAC 0.03758.

Submissions (8):

Labcorp Genetics (formerly Invitae), Labcorp
Classification: Benign. Last evaluated: 2026-01-19. Review status: criteria provided, single submitter. Criteria: Invitae Variant Classification Sherloc (09022015). Collection method: clinical testing. Allele origin: germline.

Victorian Clinical Genetics Services, Murdoch Childrens Research Institute
Classification: Likely benign for Ectodermal dysplasia 4, hair/nail type. Last evaluated: 2023-07-17. Review status: criteria provided, single submitter. Criteria: ACMG Guidelines, 2015. Collection method: clinical testing. Allele origin: germline. Inheritance: Autosomal recessive inheritance.
Comment: Based on the classification scheme VCGS_Germline_v1.3.4, this variant is classified as likely benign. Following criteria are met: 0308 - Population frequency for this variant is out of keeping with known incidence of ectodermal dysplasia 4, hair/nail type (MIM#602032), with 114 homozygotes in gnomAD v3. (SB) Legend: (SP) - Supporting pathogenic, (I) - Information, (SB) - Supporting benign

GeneDx
Classification: Benign. Last evaluated: 2021-02-16. Review status: criteria provided, single submitter. Criteria: GeneDx Variant Classification Process June 2021. Collection method: clinical testing. Allele origin: germline. Affected: yes.
Comment: This variant is associated with the following publications: (PMID: 27884173, 16525032, 25333069, 22995991)

Mendelics
Classification: Benign for Ectodermal dysplasia 4, hair/nail type. Last evaluated: 2019-05-28. Review status: criteria provided, single submitter. Criteria: Mendelics Assertion Criteria 2017. Collection method: clinical testing. Allele origin: unknown.

Laboratory for Molecular Medicine, Mass General Brigham Personalized Medicine
Classification: Benign. Last evaluated: 2016-03-28. Review status: criteria provided, single submitter. Criteria: LMM Criteria. Collection method: clinical testing. Allele origin: germline.
Comment: Variant identified in a genome or exome case(s) and assessed due to predicted null impact of the variant or pathogenic assertions in the literature or databases. Disclaimer: This variant has not undergone full assessment. The following are preliminary notes: Frequency in ESP (all): 533/12976=4.1%

Breakthrough Genomics
Classification: Benign. Review status: criteria provided, single submitter. Criteria: ACMG Guidelines, 2015. Collection method: not provided. Allele origin: germline. Inheritance: Autosomal recessive inheritance. Affected: yes.

OMIM
Classification: Pathogenic for ECTODERMAL DYSPLASIA 4, HAIR/NAIL TYPE. Last evaluated: 2010-03-01. Review status: no assertion criteria provided. Collection method: literature only. Allele origin: germline. Not counted in ClinVar's aggregate classification.

Epithelial Biology;  Institute of Medical Biology, Singapore
No classification provided. Review status: no classification provided. Collection method: not provided. Allele origin: not provided. Not counted in ClinVar's aggregate classification.

Literature cited by the submitters: PubMed 16525032 (cited by OMIM); PubMed 19865094 (cited by OMIM).

NM_002283.4(KRT85):c.233G>A (p.Arg78His)

Gene: KRT85 (keratin 85; minus strand). Cytogenetic location: 12q13.13.
Variant type: single nucleotide variant.
Coding change: c.233G>A on transcript NM_002283.4 (MANE Select); coding-DNA position 233, G replaced by A.
Protein change: p.Arg78His; replaces arginine 78 with histidine.
Molecular consequence: missense variant.
Genome position (GRCh38, 1-based): chr12:52,367,173, C>T on the plus strand (G>A on the coding strand, the complement: KRT85 is on the minus strand). VCF-style: chr12-52367173-C-T. GRCh37 (hg19) VCF-style: chr12-52760957-C-T.
Other names: short protein forms R78H.
Identifiers: ClinVar variation 6836 (VCV000006836.19), dbSNP rs61630004, ClinGen allele CA118532.